The following is an entry in ClinVar:

ClinVar aggregate classification (germline): Likely benign (1 of 4 stars; one submission).

Allele frequency attached by ClinVar (database versions not stated): gnomAD 0.02947 and 0.03226; TOPMed 0.03899; 1000 Genomes Project 30x 0.06027; 1000 Genomes Project 0.06410.
gnomAD v4.1: 4,903 of 152,206 alleles (3.2%); highest among the groups gnomAD compares: East Asian, 19%; 195 homozygotes.

Submission:

GeneDx
Classification: Likely benign. Last evaluated: 2018-06-19. Review status: criteria provided, single submitter. Criteria: GeneDx Variant Classification (06012015). Collection method: clinical testing. Allele origin: germline. Affected: yes.
Comment: This variant is considered likely benign or benign based on one or more of the following criteria: it is a conservative change, it occurs at a poorly conserved position in the protein, it is predicted to be benign by multiple in silico algorithms, and/or has population frequency not consistent with disease.

NM_000093.5(COL5A1):c.5068-170C>T

Genes: COL5A1 (collagen type V alpha 1 chain; plus strand), LOC101448202 (uncharacterized LOC101448202; minus strand). Cytogenetic location: 9q34.3.
Variant type: single nucleotide variant.
Coding change: c.5068-170C>T on transcript NM_000093.5 (MANE Select); 170 bases into the intron before coding-DNA position 5068, C replaced by T.
Molecular consequence: intron variant.
Genome position (GRCh38, 1-based): chr9:134,829,806, C>T. VCF-style: chr9-134829806-C-T. GRCh37 (hg19) VCF-style: chr9-137721652-C-T.
Other names: c.5068-302C>T (NM_001278074.1).
Identifiers: ClinVar variation 672280 (VCV000672280.1), dbSNP rs73664157, ClinGen allele CA201104401.